The following is an entry in ClinVar:

ClinVar aggregate classification (germline): Uncertain significance. Review status: criteria provided, multiple submitters, no conflicts (2 of 4 stars). 2 submissions from 2 submitters: Uncertain significance (2). Last evaluated 2024-03-07.

Conditions:
Cardiomyopathy (CMYO). Also called: Cardiomyopathies. Identifiers: Orphanet 167848, MedGen C0878544, MONDO:0004994, HP:0001638. Inheritance: Various modes of inheritance.
Catecholaminergic polymorphic ventricular tachycardia 1. Also called: VENTRICULAR TACHYCARDIA, CATECHOLAMINERGIC POLYMORPHIC, 1, WITH OR WITHOUT ATRIAL DYSFUNCTION AND/OR DILATED CARDIOMYOPATHY; VENTRICULAR TACHYCARDIA, STRESS-INDUCED POLYMORPHIC 1; RYR2-Related Catecholaminergic Polymorphic Ventricular Tachycardia. Identifiers: Orphanet 3286, MedGen C1631597, MONDO:0011484, OMIM 604772.

Allele frequency attached by ClinVar (database versions not stated): gnomAD exomes below 0.00001; gnomAD 0.00001.
gnomAD v4.1: 5 of 1,613,632 alleles (0.00031%); highest among the groups gnomAD compares: Admixed American, 0.0017%; no homozygotes.

Submissions (2):

Color Diagnostics, LLC DBA Color Health
Classification: Uncertain significance for Cardiomyopathy. Last evaluated: 2024-03-07. Review status: criteria provided, single submitter. Criteria: ACMG Guidelines, 2015. Collection method: clinical testing. Allele origin: germline.
Comment: This missense variant replaces glutamic acid with glycine at codon 4371 of the RYR2 protein. Computational prediction suggests that this variant may not impact protein structure and function (internally defined REVEL score threshold <= 0.5, PMID: 27666373). To our knowledge, functional studies have not been reported for this variant. This variant has not been reported in individuals affected with cardiovascular disorders in the literature. This variant has not been identified in the general population by the Genome Aggregation Database (gnomAD). The available evidence is insufficient to determine the role of this variant in disease conclusively. Therefore, this variant is classified as a Variant of Uncertain Significance.

Labcorp Genetics (formerly Invitae), Labcorp
Classification: Uncertain significance for Catecholaminergic polymorphic ventricular tachycardia 1. Last evaluated: 2024-02-23. Review status: criteria provided, single submitter. Criteria: Invitae Variant Classification Sherloc (09022015). Collection method: clinical testing. Allele origin: germline.
Comment: This sequence change replaces glutamic acid, which is acidic and polar, with glycine, which is neutral and non-polar, at codon 4371 of the RYR2 protein (p.Glu4371Gly). This variant is not present in population databases (gnomAD no frequency). This variant has not been reported in the literature in individuals affected with RYR2-related conditions. Advanced modeling of protein sequence and biophysical properties (such as structural, functional, and spatial information, amino acid conservation, physicochemical variation, residue mobility, and thermodynamic stability) performed at Invitae indicates that this missense variant is not expected to disrupt RYR2 protein function with a negative predictive value of 95%. In summary, the available evidence is currently insufficient to determine the role of this variant in disease. Therefore, it has been classified as a Variant of Uncertain Significance.

NM_001035.3(RYR2):c.13112A>G (p.Glu4371Gly)

Genes: RYR2 (ryanodine receptor 2; plus strand), LOC126806068 (BRD4-independent group 4 enhancer GRCh37_chr1:237947411-237948610; plus strand). Cytogenetic location: 1q43.
Variant type: single nucleotide variant.
Coding change: c.13112A>G on transcript NM_001035.3 (MANE Select); coding-DNA position 13112, A replaced by G.
Protein change: p.Glu4371Gly; replaces glutamic acid 4371 with glycine.
Molecular consequence: missense variant.
Genome position (GRCh38, 1-based): chr1:237,784,824, A>G. VCF-style: chr1-237784824-A-G. GRCh37 (hg19) VCF-style: chr1-237948124-A-G.
Other names: short protein forms E4371G.
Identifiers: ClinVar variation 1331940 (VCV001331940.5), dbSNP rs1695416603, ClinGen allele CA345415327.